The following is an entry in ClinVar:

NM_001323289.2(CDKL5):c.1400A>C (p.His467Pro)

Gene: CDKL5 (cyclin dependent kinase like 5; plus strand). Cytogenetic location: Xp22.13.
Variant type: single nucleotide variant.
Coding change: c.1400A>C on transcript NM_001323289.2 (MANE Select); coding-DNA position 1400, A replaced by C.
Protein change: p.His467Pro; replaces histidine 467 with proline.
Molecular consequence: missense variant.
Genome position (GRCh38, 1-based): chrX:18,604,324, A>C. VCF-style: chrX-18604324-A-C. GRCh37 (hg19) VCF-style: chrX-18622444-A-C.
Other names: NM_001323289.2(CDKL5):c.1400A>C; p.His467Pro; c.1400A>C, p.His467Pro (NM_001037343.2, NM_003159.3); short protein forms H467P.
Identifiers: ClinVar variation 143777 (VCV000143777.4), dbSNP rs267608631, ClinGen allele CA170447.
Genomic context (GRCh38, chrX:18,604,324, plus strand): 5'-TCATGGAAAGCTCTCAAAGCAAAGCTGGGACACTGCAGCCCAATGAAAAGCAGAGTCGGC[A>C]TAGCTATATTGACACAATTCCCCAGTCCTCTAGGAGTCCCTCCTACAGGACCAAGGCCAA-3'
Protein context (NP_001310218.1, residues 457-477): TLQPNEKQSR[His467Pro]SYIDTIPQSS

ClinVar aggregate classification (germline): Uncertain significance. Review status: criteria provided, single submitter (1 of 4 stars). 2 submissions from 2 submitters: Uncertain significance (1). 1 of the submissions does not count toward it. Last evaluated 2024-09-13.

Conditions:
CDKL5 disorder. Identifiers: MedGen CN296942, MONDO:0100039.
Developmental and epileptic encephalopathy, 2 (DEE2). Also called: INFANTILE SPASM SYNDROME, X-LINKED 2; CDKL5 deficiency disorder. Identifiers: Orphanet 1934, Orphanet 3451, Orphanet 505652, MedGen C4750718, MONDO:0010396, OMIM 300672.

Submissions (2):

Centre for Population Genomics, CPG
Classification: Uncertain significance for CDKL5 disorder. Last evaluated: 2024-09-13. Review status: criteria provided, single submitter. Criteria: McKnight et al. (Hum Mutat. 2022). Collection method: curation. Allele origin: germline. Inheritance: X-linked inheritance.
Comment: This variant has been collected from RettBASE and curated to current modified ACMG/AMP criteria. Based on the classification scheme defined by the ClinGen Rett/Angelman-like Expert Panel for Rett/AS-like Disorders Specifications to the ACMG/AMP Variant Interpretation Guidelines VCEP 3.0, this variant is classified as a variant of uncertain significance. At least the following criteria are met: This variant is absent from gnomAD (PM2_Supporting). The variant has been observed in cis with a CDKL5 pathogenic variant (BP2, PMID: 21770923)

RettBASE
Classification: Uncertain significance for Epileptic encephalopathy, early infantile, 2. Last evaluated: 2014-03-13. Review status: no assertion criteria provided. Collection method: curation. Allele origin: de novo. Affected: yes. Observed: 1 variant allele. Not counted in ClinVar's aggregate classification.

Literature cited by the submitters: PubMed 21770923 (cited by RettBASE).